The following is an entry in ClinVar:

NM_000372.5(TYR):c.1199G>C (p.Trp400Ser)

Gene: TYR (tyrosinase; plus strand). Cytogenetic location: 11q14.3.
Variant type: single nucleotide variant.
Coding change: c.1199G>C on transcript NM_000372.5 (MANE Select); coding-DNA position 1199, G replaced by C.
Protein change: p.Trp400Ser; replaces tryptophan 400 with serine.
Molecular consequence: missense variant.
Genome position (GRCh38, 1-based): chr11:89,284,787, G>C. VCF-style: chr11-89284787-G-C. GRCh37 (hg19) VCF-style: chr11-89017955-G-C.
Other names: short protein forms W400S.
Identifiers: ClinVar variation 3366351 (VCV003366351.1).

ClinVar aggregate classification (germline): Uncertain significance (1 of 4 stars; one submission).

Submission:

Women's Health and Genetics/Laboratory Corporation of America, LabCorp
Classification: Uncertain significance. Last evaluated: 2024-08-09. Review status: criteria provided, single submitter. Criteria: LabCorp Variant Classification Summary - May 2015. Collection method: clinical testing. Allele origin: germline.
Comment: Variant summary: TYR c.1199G>C (p.Trp400Ser) results in a non-conservative amino acid change located in the Tyrosinase copper-binding domain (IPR002227) of the encoded protein sequence. Five of five in-silico tools predict a damaging effect of the variant on protein function. The variant was absent in 250296 control chromosomes (gnomAD). To our knowledge, no occurrence of c.1199G>C in individuals affected with Oculocutaneous Albinism and no experimental evidence demonstrating its impact on protein function have been reported. Other variants affecting the same codon has been classified as pathogenic by our lab (c.1200G>T, p.Trp400Cys; c.1199G>T, p.Trp400Leu), supporting the critical relevance of codon 400 to TYR protein function. No submitters have cited clinical-significance assessments for this variant to ClinVar. Based on the evidence outlined above, the variant was classified as VUS-possibly pathogenic.